The following is an entry in ClinVar:

ClinVar aggregate classification (germline): Uncertain significance (1 of 4 stars; one submission).

Conditions:
Oto-palato-digital syndrome, type II (OPD2). Also called: FACIOPALATOOSSEOUS SYNDROME; OPD II SYNDROME; Otopalatodigital Syndrome, Type II; Otopalatodigital Syndrome Type 2 (FLNA-OPD2). Identifiers: Orphanet 669, Orphanet 90652, MedGen C1844696, MONDO:0010571, OMIM 304120.
Heterotopia, periventricular, X-linked dominant (PVNH1). Also called: PERIVENTRICULAR NODULAR HETEROTOPIA 4; HETEROTOPIA, PERIVENTRICULAR, 1; PERIVENTRICULAR NODULAR HETEROTOPIA 1; X-linked periventricular heterotopia. Identifiers: Orphanet 2149, Orphanet 82004, MedGen C1848213, MONDO:0010233, OMIM 300049.
Melnick-Needles syndrome (MNS). Also called: MELNICK-NEEDLES OSTEODYSPLASTY; OSTEODYSPLASTY OF MELNICK AND NEEDLES; Melnick-Needles Syndrome (FLNA-MNS). Identifiers: Orphanet 2484, MedGen C0025237, MONDO:0010650, OMIM 309350.
Frontometaphyseal dysplasia (FMD1). Identifiers: Orphanet 1826, MedGen C0265293, MONDO:0015942.

Submission:

Labcorp Genetics (formerly Invitae), Labcorp
Classification: Uncertain significance for Oto-palato-digital syndrome, type II; Heterotopia, periventricular, X-linked dominant; Frontometaphyseal dysplasia; Melnick-Needles syndrome. Last evaluated: 2022-10-24. Review status: criteria provided, single submitter. Criteria: Invitae Variant Classification Sherloc (09022015). Collection method: clinical testing. Allele origin: germline.
Comment: ClinVar contains an entry for this variant (Variation ID: 1464107). This sequence change replaces alanine, which is neutral and non-polar, with valine, which is neutral and non-polar, at codon 411 of the FLNA protein (p.Ala411Val). This variant is not present in population databases (gnomAD no frequency). This variant has not been reported in the literature in individuals affected with FLNA-related conditions. Advanced modeling of protein sequence and biophysical properties (such as structural, functional, and spatial information, amino acid conservation, physicochemical variation, residue mobility, and thermodynamic stability) has been performed at Invitae for this missense variant, however the output from this modeling did not meet the statistical confidence thresholds required to predict the impact of this variant on FLNA protein function. In summary, the available evidence is currently insufficient to determine the role of this variant in disease. Therefore, it has been classified as a Variant of Uncertain Significance.

NM_001110556.2(FLNA):c.1232C>T (p.Ala411Val)

Gene: FLNA (filamin A; minus strand). Cytogenetic location: Xq28.
Variant type: single nucleotide variant.
Coding change: c.1232C>T on transcript NM_001110556.2 (MANE Select); coding-DNA position 1232, C replaced by T.
Protein change: p.Ala411Val; replaces alanine 411 with valine.
Molecular consequence: missense variant.
Genome position (GRCh38, 1-based): chrX:154,366,221, G>A on the plus strand (C>T on the coding strand, the complement: FLNA is on the minus strand). VCF-style: chrX-154366221-G-A. GRCh37 (hg19) VCF-style: chrX-153594589-G-A.
Other names: c.1232C>T, p.Ala411Val (NM_001456.4); short protein forms A411V.
Identifiers: ClinVar variation 1464107 (VCV001464107.8), dbSNP rs2148117837, ClinGen allele CA415244014.